The following is an entry in ClinVar:

NM_181882.3(PRX):c.832_861del (p.Pro278_Ala287del)

Gene: PRX (periaxin; minus strand). Cytogenetic location: 19q13.2.
Variant type: Deletion.
Coding change: c.832_861del on transcript NM_181882.3 (MANE Select); coding-DNA positions 832 to 861, 30 bases deleted (CCGGCTCCGCCTGCTGTGGAGGCCCCAGCC).
Protein change: p.Pro278_Ala287del.
Molecular consequence: inframe deletion. On other transcripts: 3 prime UTR variant (1).
Genome position (GRCh38, 1-based): chr19:40,397,491-40,397,520, GGCTGGGGCCTCCACAGCAGGCGGAGCCGG deleted on the plus strand (CCGGCTCCGCCTGCTGTGGAGGCCCCAGCC on the coding strand, the reverse complement: PRX is on the minus strand); deleting any 30 consecutive bases within chr19:40,397,491-40,397,524 gives the same sequence; the c. name uses the placement nearest the transcript's 3' end. VCF-style (leftmost placement, unchanged base first): chr19-40397490-CGGCTGGGGCCTCCACAGCAGGCGGAGCCGG-C. GRCh37 (hg19) VCF-style: chr19-40903397-CGGCTGGGGCCTCCACAGCAGGCGGAGCCGG-C.
Other names: c.*1037_*1066del (NM_020956.2); c.*1037_*1066delCCGGCTCCGCCTGCTGTGGAGGCCCCAGCC (NM_020956.2).
Identifiers: ClinVar variation 917232 (VCV000917232.8), dbSNP rs2079451762, ClinGen allele CA1139666448.

ClinVar aggregate classification (germline): Uncertain significance. Review status: criteria provided, multiple submitters, no conflicts (2 of 4 stars). 3 submissions from 3 submitters: Uncertain significance (3). Last evaluated 2026-09-17.

Conditions:
Charcot-Marie-Tooth disease. Also called: Charcot-Marie-Tooth Neuropathy; Charcot-Marie-Tooth Hereditary Neuropathy. Identifiers: Orphanet 166, MedGen C0007959, MONDO:0015626.
Charcot-Marie-Tooth disease type 4. Also called: Charcot-Marie-Tooth disease, type IV; Charcot-Marie-Tooth, Type 4. Identifiers: Orphanet 64749, MedGen C4082197, MONDO:0018995.

Submissions (3):

GeneDx
Classification: Uncertain significance. Last evaluated: 2026-09-17. Review status: criteria provided, single submitter. Criteria: GeneDx Variant Classification Process June 2021. Collection method: clinical testing. Allele origin: germline.
Comment: Not observed at significant frequency in large population cohorts (gnomAD); In-frame deletion of 10 amino acid(s) in a non-repeat region; In silico analysis supports a deleterious effect on protein structure/function; Identified in a cohort of patients with suspected Charcot-Marie-Tooth; however, detailed clinical information was not provided and it is unknown if the patient harbored a second variant in the PRX gene (PMID: 32376792); This variant is associated with the following publications: (PMID: 32376792)

Labcorp Genetics (formerly Invitae), Labcorp
Classification: Uncertain significance for Charcot-Marie-Tooth disease type 4. Last evaluated: 2021-09-24. Review status: criteria provided, single submitter. Criteria: Invitae Variant Classification Sherloc (09022015). Collection method: clinical testing. Allele origin: germline.
Comment: This variant, c.832_861del, results in the deletion of 10 amino acid(s) of the PRX protein (p.Pro278_Ala287del), but otherwise preserves the integrity of the reading frame. The frequency data for this variant in the population databases is considered unreliable, as metrics indicate insufficient coverage at this position in the ExAC database. This variant has not been reported in the literature in individuals with PRX-related conditions. ClinVar contains an entry for this variant (Variation ID: 917232). Experimental studies and prediction algorithms are not available or were not evaluated, and the functional significance of this variant is currently unknown. In summary, the available evidence is currently insufficient to determine the role of this variant in disease. Therefore, it has been classified as a Variant of Uncertain Significance.

Molecular Genetics Laboratory, London Health Sciences Centre
Classification: Uncertain significance for Charcot-Marie-Tooth disease. Review status: criteria provided, single submitter. Criteria: ACMG Guidelines, 2015. Collection method: clinical testing. Allele origin: germline. Affected: yes.